The following is an entry in ClinVar:

NM_000049.4(ASPA):c.20_205del (p.Ala7_Leu69delinsVal)

Genes: ASPA (aspartoacylase; plus strand), SPATA22 (spermatogenesis associated 22; minus strand). Cytogenetic location: 17p13.2.
Variant type: Deletion.
Coding change: c.20_205del on transcript NM_000049.4 (MANE Select); coding-DNA positions 20 to 205, 186 bases deleted.
Protein change: p.Ala7_Leu69delinsVal.
Molecular consequence: inframe indel. On other transcripts: intron variant (2).
Genome position (GRCh38, 1-based): chr17:3,476,179-3,476,364, 186 bases deleted. GRCh37 (hg19): chr17:3,379,473-3,379,658.
Other names: c.20_205del, p.Ala7_Leu69delinsVal (NM_001128085.1); c.-73-6966_-73-6781del (NM_001321336.2, NM_001321337.2).
Identifiers: ClinVar variation 2418719 (VCV002418719.42), dbSNP rs2543606313, ClinGen allele CA2580092481.

ClinVar aggregate classification (germline): Pathogenic (1 of 4 stars; one submission).

Conditions:
Spongy degeneration of central nervous system. Also called: ACY2 DEFICIENCY; AMINOACYLASE 2 DEFICIENCY; ASP DEFICIENCY; ASPA DEFICIENCY; ASPARTOACYLASE DEFICIENCY; CANAVAN-VAN BOGAERT-BERTRAND DISEASE. Identifiers: Orphanet 141, MedGen C0206307, MONDO:0010079, OMIM 271900.

Submission:

Labcorp Genetics (formerly Invitae), Labcorp
Classification: Pathogenic for Spongy degeneration of central nervous system. Last evaluated: 2023-10-19. Review status: criteria provided, single submitter. Criteria: Invitae Variant Classification Sherloc (09022015). Collection method: clinical testing. Allele origin: germline.
Comment: This variant, c.20_205del, is a complex sequence change that results in the deletion of 63 amino acid(s) in the ASPA protein (p.Ala7_Leu69delinsVal). This variant has not been reported in the literature in individuals affected with ASPA-related conditions. This variant disrupts a region of the ASPA protein in which other variant(s) (p.Ile16Thr) have been determined to be pathogenic (PMID: 8659549, 12638939). This suggests that this is a clinically significant region of the protein, and that variants that disrupt it are likely to be disease-causing. For these reasons, this variant has been classified as Pathogenic.

Literature cited by the submitters: PubMed 8659549; PubMed 12638939.